The following is an entry in ClinVar:

NM_003079.5(SMARCE1):c.516C>T (p.Ser172=)

Gene: SMARCE1 (SWI/SNF related BAF chromatin remodeling complex subunit E1; minus strand). Cytogenetic location: 17q21.2.
Variant type: single nucleotide variant.
Coding change: c.516C>T on transcript NM_003079.5 (MANE Select); coding-DNA position 516, C replaced by T.
Protein change: p.Ser172=; no amino-acid change (serine 172 retained).
Molecular consequence: synonymous variant.
Genome position (GRCh38, 1-based): chr17:40,635,956, G>A on the plus strand (C>T on the coding strand, the complement: SMARCE1 is on the minus strand). VCF-style: chr17-40635956-G-A. GRCh37 (hg19) VCF-style: chr17-38792208-G-A.
Identifiers: ClinVar variation 703500 (VCV000703500.45), dbSNP rs771523560, ClinGen allele CA8545230.

ClinVar aggregate classification (germline): Likely benign. Review status: criteria provided, multiple submitters, no conflicts (2 of 4 stars). 3 submissions from 3 submitters: Likely benign (3). Last evaluated 2026-01-18.

Conditions:
Hereditary cancer-predisposing syndrome. Also called: Neoplastic Syndromes, Hereditary; Tumor predisposition; Hereditary Cancer Syndrome; Hereditary neoplastic syndrome. Identifiers: Orphanet 140162, MedGen C0027672, MeSH D009386, MONDO:0015356.
Familial meningioma. Also called: Meningioma, familial, susceptibility to. Identifiers: Orphanet 263662, MedGen C3551915, MONDO:0011789, OMIM 607174.

Allele frequency attached by ClinVar (database versions not stated): gnomAD exomes below 0.00001; TOPMed below 0.00001; gnomAD 0.00001; ExAC 0.00002.
gnomAD v4.1: 4 of 1,596,256 alleles (0.00025%); highest among the groups gnomAD compares: Non-Finnish European, 0.00034%; no homozygotes.

Submissions (3):

Labcorp Genetics (formerly Invitae), Labcorp
Classification: Likely benign for Familial meningioma. Last evaluated: 2026-01-18. Review status: criteria provided, single submitter. Criteria: Invitae Variant Classification Sherloc (09022015). Collection method: clinical testing. Allele origin: germline.

CeGaT Center for Human Genetics Tuebingen
Classification: Likely benign. Last evaluated: 2022-05-01. Review status: criteria provided, single submitter. Criteria: CeGaT Center For Human Genetics Tuebingen Variant Classification Criteria Version 2. Collection method: clinical testing. Allele origin: germline. Affected: yes. Observed: 1 variant allele.
Comment: SMARCE1: BP4

Ambry Genetics
Classification: Likely benign for Hereditary cancer-predisposing syndrome. Last evaluated: 2020-03-02. Review status: criteria provided, single submitter. Criteria: Ambry Variant Classification Scheme 2023. Collection method: clinical testing. Allele origin: germline.